The following is an entry in ClinVar:

ClinVar aggregate classification (germline): Uncertain significance. Review status: criteria provided, multiple submitters, no conflicts (2 of 4 stars). 3 submissions from 3 submitters: Uncertain significance (3). Last evaluated 2025-08-25.

Conditions:
Malignant hyperthermia, susceptibility to, 1 (MHS1). Also called: Anesthesia related hyperthermia; Malignant hyperpyrexia; Fulminating hyperpyrexia; Pharmacogenic myopathy; RYR1-Related Malignant Hyperthermia Susceptibility; Malignant hyperthermia suceptibility 1. Identifiers: Orphanet 423, MedGen C2930980, MONDO:0007783, OMIM 145600.
RYR1-related disorder. Also called: RYR1-related disorders; RYR1-related condition. Identifiers: MedGen CN239331.

Allele frequency attached by ClinVar (database versions not stated): gnomAD 0.00001; gnomAD exomes 0.00001; TOPMed 0.00001.
gnomAD v4.1: 12 of 1,614,118 alleles (0.00074%); highest among the groups gnomAD compares: Non-Finnish European, 0.00093%; no homozygotes.

Submissions (3):

Labcorp Genetics (formerly Invitae), Labcorp
Classification: Uncertain significance for RYR1-related disorder. Last evaluated: 2025-08-25. Review status: criteria provided, single submitter. Criteria: Invitae Variant Classification Sherloc (09022015). Collection method: clinical testing. Allele origin: germline.
Comment: This sequence change replaces valine, which is neutral and non-polar, with leucine, which is neutral and non-polar, at codon 814 of the RYR1 protein (p.Val814Leu). This variant is not present in population databases (gnomAD no frequency). This variant has not been reported in the literature in individuals affected with RYR1-related conditions. ClinVar contains an entry for this variant (Variation ID: 1414704). Invitae Evidence Modeling of protein sequence and biophysical properties (such as structural, functional, and spatial information, amino acid conservation, physicochemical variation, residue mobility, and thermodynamic stability) indicates that this missense variant is not expected to disrupt RYR1 protein function with a negative predictive value of 95%. In summary, the available evidence is currently insufficient to determine the role of this variant in disease. Therefore, it has been classified as a Variant of Uncertain Significance.

Athena Diagnostics
Classification: Uncertain significance. Last evaluated: 2024-12-23. Review status: criteria provided, single submitter. Criteria: Athena Diagnostics Criteria. Collection method: clinical testing. Allele origin: unknown.
Comment: Available data are insufficient to determine the clinical significance of the variant at this time. The frequency of this variant in the general population is uninformative in assessment of its pathogenicity. Polyphen and MutationTaster predict this amino acid change may be benign.

All of Us Research Program, National Institutes of Health
Classification: Uncertain significance for Malignant hyperthermia, susceptibility to, 1. Last evaluated: 2024-07-20. Review status: criteria provided, single submitter. Criteria: ACMG Guidelines, 2015. Collection method: clinical testing. Allele origin: germline. Inheritance: Autosomal dominant inheritance. Observed: 3 variant alleles, 3 heterozygotes.
Comment: This missense variant replaces valine with leucine at codon 814 of the RYR1 protein. Computational prediction suggests that this variant may not impact protein structure and function (internally defined REVEL score threshold <= 0.5, PMID: 27666373). To our knowledge, functional studies have not been reported for this variant. This variant has not been reported in individuals affected with RYR1-related disorders in the literature. This variant has not been identified in the general population by the Genome Aggregation Database (gnomAD). The available evidence is insufficient to determine the role of this variant in disease conclusively. Therefore, this variant is classified as a Variant of Uncertain Significance.

This study involves interpretation of variants in research participants for the purpose of population health screening. Participant phenotype was not available at the time of variant classification. Additional details can be found in publication PMID: 35346344, PMCID: PMC8962531

NM_000540.3(RYR1):c.2440G>T (p.Val814Leu)

Gene: RYR1 (ryanodine receptor 1; plus strand). Cytogenetic location: 19q13.2.
Variant type: single nucleotide variant.
Coding change: c.2440G>T on transcript NM_000540.3 (MANE Select); coding-DNA position 2440, G replaced by T.
Protein change: p.Val814Leu; replaces valine 814 with leucine.
Molecular consequence: missense variant.
Genome position (GRCh38, 1-based): chr19:38,460,454, G>T. VCF-style: chr19-38460454-G-T. GRCh37 (hg19) VCF-style: chr19-38951094-G-T.
Other names: c.2440G>T, p.Val814Leu (NM_001042723.2); c.2440G>T (NM_000540.2); short protein forms V814L.
Identifiers: ClinVar variation 1414704 (VCV001414704.7), dbSNP rs1017739421, ClinGen allele CA308071290.
Genomic context (GRCh38, chr19:38,460,454, plus strand): 5'-GGCCGCCATGGTGAATTCAAGTTCCTGCCCCCACCTGGCTATGCTCCATGCCATGAGGCT[G>T]TGCTCCCTCGAGAGCGACTCCATCTTGAACCCATCAAGGAGTATCGACGGGAGGGGCCCC-3'
Protein context (NP_000531.2, residues 804-824): PPGYAPCHEA[Val814Leu]LPRERLHLEP